The following is an entry in ClinVar:

ClinVar aggregate classification (germline): Uncertain significance (1 of 4 stars; one submission).

Allele frequency attached by ClinVar (database versions not stated): ESP Exome Variant Server 0.00008; ExAC 0.00011; 1000 Genomes Project 30x 0.00016; 1000 Genomes Project 0.00020; TOPMed 0.00025; gnomAD 0.00029.
gnomAD v4.1: 140 of 1,614,108 alleles (0.0087%); highest among the groups gnomAD compares: African/African-American, 0.081%; no homozygotes.

Submission:

Labcorp Genetics (formerly Invitae), Labcorp
Classification: Uncertain significance. Last evaluated: 2024-12-16. Review status: criteria provided, single submitter. Criteria: Invitae Variant Classification Sherloc (09022015). Collection method: clinical testing. Allele origin: germline.
Comment: This sequence change replaces arginine, which is basic and polar, with histidine, which is basic and polar, at codon 180 of the WNT2B protein (p.Arg180His). This variant is present in population databases (rs35058556, gnomAD 0.06%). This variant has not been reported in the literature in individuals affected with WNT2B-related conditions. ClinVar contains an entry for this variant (Variation ID: 2154862). An algorithm developed to predict the effect of missense changes on protein structure and function (PolyPhen-2) suggests that this variant¬†is likely to be tolerated. In summary, the available evidence is currently insufficient to determine the role of this variant in disease. Therefore, it has been classified as a Variant of Uncertain Significance.

NM_024494.3(WNT2B):c.539G>A (p.Arg180His)

Gene: WNT2B (Wnt family member 2B; plus strand). Cytogenetic location: 1p13.2.
Variant type: single nucleotide variant.
Coding change: c.539G>A on transcript NM_024494.3 (MANE Select); coding-DNA position 539, G replaced by A.
Protein change: p.Arg180His; replaces arginine 180 with histidine.
Molecular consequence: missense variant.
Genome position (GRCh38, 1-based): chr1:112,516,275, G>A. VCF-style: chr1-112516275-G-A. GRCh37 (hg19) VCF-style: chr1-113058897-G-A.
Other names: c.263G>A, p.Arg88His (NM_001291880.1); c.482G>A, p.Arg161His (NM_004185.4); short protein forms R161H, R88H, R180H.
Identifiers: ClinVar variation 2154862 (VCV002154862.2), dbSNP rs35058556, ClinGen allele CA1008285.